The following is an entry in ClinVar:

NM_003074.4(SMARCC1):c.1436del (p.Asn479fs)

Gene: SMARCC1 (SWI/SNF related BAF chromatin remodeling complex subunit C1; minus strand). Cytogenetic location: 3p21.31.
Variant type: Deletion.
Coding change: c.1436del on transcript NM_003074.4 (MANE Select); coding-DNA position 1436, one base deleted (A; older notation c.1436delA).
Protein change: p.Asn479fs; shifts the reading frame from asparagine 479.
Molecular consequence: frameshift variant.
Genome position (GRCh38, 1-based): chr3:47,680,458, T deleted on the plus strand (A on the coding strand, the reverse complement: SMARCC1 is on the minus strand); the first of 6 consecutive T bases (chr3:47,680,458-47,680,463); deleting any one gives the same sequence. VCF-style (leftmost placement, unchanged base first): chr3-47680457-GT-G. GRCh37 (hg19) VCF-style: chr3-47721947-GT-G.
Other names: short protein forms N479fs.
Identifiers: ClinVar variation 3363833 (VCV003363833.1).
Genomic context (GRCh38, chr3:47,680,457, plus strand): 5'-CACAGGCAAATAAACAAGTTTTCTAAAACACTGGCCTCACATTTCTGGAGTCTTGGATTT[GT>G]TTTTTCCATTGAAGAACTCAGGAAGAGCACGCCGTTCAATCACATGAATACTGAAAAGAA-3'

ClinVar aggregate classification (germline): Uncertain significance (1 of 4 stars; one submission).

Submission:

GeneDx
Classification: Uncertain significance. Last evaluated: 2023-11-02. Review status: criteria provided, single submitter. Criteria: GeneDx Variant Classification Process June 2021. Collection method: clinical testing. Allele origin: germline. Affected: yes.
Comment: Frameshift variant predicted to result in protein truncation or nonsense mediated decay in a gene or region of a gene for which loss of function is not a well-established mechanism of disease; Not observed at significant frequency in large population cohorts (gnomAD); Has not been previously published as pathogenic or benign to our knowledge; Variants in candidate genes are classified as variants of uncertain significance in accordance with ACMG guidelines (PMID: 25741868)